The following is an entry in ClinVar:

ClinVar aggregate classification (germline): Likely benign. Review status: criteria provided, single submitter (1 of 4 stars). 2 submissions from 2 submitters: Likely benign (1). 1 of the submissions does not count toward it. Last evaluated 2023-11-17.

Conditions:
SETD1B-related disorder. Also called: SETD1B-related condition.

Allele frequency attached by ClinVar (database versions not stated): ExAC 0.00010.
gnomAD v4.1: 131 of 1,545,844 alleles (0.0085%); highest among the groups gnomAD compares: African/African-American, 0.062%; no homozygotes.

Submissions (2):

Blueprint Genetics
Classification: Likely benign. Last evaluated: 2023-11-17. Review status: criteria provided, single submitter. Criteria: ACMG Guidelines, 2015. Collection method: clinical testing. Allele origin: germline.

PreventionGenetics, part of Exact Sciences
Classification: Likely benign for SETD1B-related condition. Last evaluated: 2022-02-07. Review status: no assertion criteria provided. Collection method: clinical testing. Allele origin: germline. Not counted in ClinVar's aggregate classification.
Comment: This variant is classified as likely benign based on ACMG/AMP sequence variant interpretation guidelines (Richards et al. 2015 PMID: 25741868, with internal and published modifications).

NM_001353345.2(SETD1B):c.637A>G (p.Ile213Val)

Gene: SETD1B (SET domain containing 1B, histone lysine methyltransferase; plus strand). Cytogenetic location: 12q24.31.
Variant type: single nucleotide variant.
Coding change: c.637A>G on transcript NM_001353345.2 (MANE Select); coding-DNA position 637, A replaced by G.
Protein change: p.Ile213Val; replaces isoleucine 213 with valine.
Molecular consequence: missense variant.
Genome position (GRCh38, 1-based): chr12:121,808,300, A>G. VCF-style: chr12-121808300-A-G. GRCh37 (hg19) VCF-style: chr12-122246206-A-G.
Other names: NM_015048.1:c.637A>G; short protein forms I213V.
Identifiers: ClinVar variation 3051972 (VCV003051972.3), dbSNP rs772970687, ClinGen allele CA6838785.